The following is an entry in ClinVar:

ClinVar aggregate classification (germline): Pathogenic/Likely pathogenic. Review status: criteria provided, multiple submitters, no conflicts (2 of 4 stars). 3 submissions from 3 submitters: Pathogenic (1); Likely pathogenic (2). Last evaluated 2025-07-10.

Conditions:
COL4A3-related disorder. Also called: COL4A3-Related Disorders; COL4A3-related condition.
Autosomal recessive Alport syndrome (ATS2). Also called: Alport syndrome type 2; COL4A4 Alport Syndrome and Thin Basement Membrane Nephropathy; ALPORT SYNDROME 2, AUTOSOMAL RECESSIVE; COL4A3-Related Nephropathy. Identifiers: Orphanet 63, Orphanet 88919, MedGen C4746745, MONDO:0008762, OMIM 203780.
Autosomal dominant Alport syndrome (ATS3A). Also called: Alport syndrome dominant type; Renal failure and sensorineural hearing loss; ALPORT SYNDROME 3A, AUTOSOMAL DOMINANT. Identifiers: Orphanet 63, Orphanet 88918, MedGen C5882663, MONDO:0007086, OMIM 104200.

Submissions (3):

Women's Health and Genetics/Laboratory Corporation of America, LabCorp
Classification: Pathogenic for Autosomal recessive Alport syndrome. Last evaluated: 2025-07-10. Review status: criteria provided, single submitter. Criteria: LabCorp Variant Classification Summary - May 2015. Collection method: clinical testing. Allele origin: germline.
Comment: Variant summary: COL4A3 c.1724G>A (p.Gly575Glu) results in a non-conservative amino acid change in the encoded protein sequence. Algorithms developed to predict the effect of missense changes on protein structure and function all suggest that this variant is likely to be disruptive. The variant was absent in 249366 control chromosomes (gnomAD). c.1724G>A has been observed in multiple individuals affected with Alport Syndrome, Autosomal Recessive (Sariyeva_2024). These data indicate that the variant is very likely to be associated with disease. The following publications have been ascertained in the context of this evaluation (PMID: 34400539, 38622802). ClinVar contains an entry for this variant (Variation ID: 3374730). Based on the evidence outlined above, the variant was classified as pathogenic.

Institute of Human Genetics, Cologne University
Classification: Likely pathogenic for Autosomal dominant Alport syndrome. Last evaluated: 2024-10-23. Review status: criteria provided, single submitter. Criteria: ACMG Guidelines, 2015. Collection method: clinical testing. Allele origin: germline. Affected: yes.

Blueprint Genetics
Classification: Likely pathogenic for COL4A3-related disorders. Last evaluated: 2021-11-08. Review status: criteria provided, single submitter. Criteria: ACMG Guidelines, 2015. Collection method: clinical testing. Allele origin: germline. Affected: yes. Observed: 1 variant allele.

Literature cited by the submitters: PubMed 34400539 (cited by Women's Health and Genetics/Laboratory Corporation of America, LabCorp); PubMed 38622802 (cited by Women's Health and Genetics/Laboratory Corporation of America, LabCorp).

NM_000091.5(COL4A3):c.1724G>A (p.Gly575Glu)

Genes: COL4A3 (collagen type IV alpha 3 chain; plus strand), MFF-DT (MFF divergent transcript; minus strand). Cytogenetic location: 2q36.3.
Variant type: single nucleotide variant.
Coding change: c.1724G>A on transcript NM_000091.5 (MANE Select); coding-DNA position 1724, G replaced by A.
Protein change: p.Gly575Glu; replaces glycine 575 with glutamic acid.
Molecular consequence: missense variant.
Genome position (GRCh38, 1-based): chr2:227,270,918, G>A. VCF-style: chr2-227270918-G-A. GRCh37 (hg19) VCF-style: chr2-228135634-G-A.
Other names: short protein forms G575E.
Identifiers: ClinVar variation 3374730 (VCV003374730.3).